The following is an entry in ClinVar:

NM_004006.3(DMD):c.3193_3209dup (p.Phe1070fs)

Gene: DMD (dystrophin; minus strand). Cytogenetic location: Xp21.1.
Variant type: Duplication.
Coding change: c.3193_3209dup on transcript NM_004006.3 (MANE Select); coding-DNA positions 3193 to 3209, 17 bases duplicated (GCTGAAGTTGATGTTTT).
Protein change: p.Phe1070fs; shifts the reading frame from phenylalanine 1070.
Molecular consequence: frameshift variant.
Genome position (GRCh38, 1-based): chrX:32,464,653-32,464,669, AAAACATCAACTTCAGC duplicated on the plus strand (GCTGAAGTTGATGTTTT on the coding strand, the reverse complement: DMD is on the minus strand). VCF-style (leftmost placement, unchanged base first): chrX-32464652-A-AAAAACATCAACTTCAGC. GRCh37 (hg19) VCF-style: chrX-32482769-A-AAAAACATCAACTTCAGC.
Other names: c.3169_3185dup, p.Phe1062fs (NM_000109.4); c.3181_3197dup, p.Phe1066fs (NM_004009.3); c.2824_2840dup, p.Phe947fs (NM_004010.3); short protein forms F1062fs, F1066fs, F1070fs, F947fs.
Identifiers: ClinVar variation 2866416 (VCV002866416.3), dbSNP rs2524537821, ClinGen allele CA2739273371.

ClinVar aggregate classification (germline): Pathogenic (1 of 4 stars; one submission).

Conditions:
Duchenne muscular dystrophy (DMD). Also called: MUSCULAR DYSTROPHY, PSEUDOHYPERTROPHIC PROGRESSIVE, DUCHENNE TYPE; Duchenne Muscular Dystrophy (DMD). Identifiers: Orphanet 98896, MedGen C0013264, MONDO:0010679, OMIM 310200.

Submission:

Labcorp Genetics (formerly Invitae), Labcorp
Classification: Pathogenic for Duchenne muscular dystrophy. Last evaluated: 2023-05-20. Review status: criteria provided, single submitter. Criteria: Invitae Variant Classification Sherloc (09022015). Collection method: clinical testing. Allele origin: germline.
Comment: This variant has not been reported in the literature in individuals affected with DMD-related conditions. For these reasons, this variant has been classified as Pathogenic. This variant is not present in population databases (gnomAD no frequency). This sequence change creates a premature translational stop signal (p.Phe1070Leufs*8) in the DMD gene. It is expected to result in an absent or disrupted protein product. Loss-of-function variants in DMD are known to be pathogenic (PMID: 16770791, 25007885).

Literature cited by the submitters: PubMed 16770791; PubMed 25007885.